The following is an entry in ClinVar:

NM_002386.4(MC1R):c.104G>T (p.Cys35Phe)

Gene: MC1R (melanocortin 1 receptor; plus strand). Cytogenetic location: 16q24.3.
Variant type: single nucleotide variant.
Coding change: c.104G>T on transcript NM_002386.4 (MANE Select); coding-DNA position 104, G replaced by T.
Protein change: p.Cys35Phe; replaces cysteine 35 with phenylalanine.
Molecular consequence: missense variant.
Genome position (GRCh38, 1-based): chr16:89,919,362, G>T. VCF-style: chr16-89919362-G-T. GRCh37 (hg19) VCF-style: chr16-89985770-G-T.
Other names: short protein forms C35F.
Identifiers: ClinVar variation 948040 (VCV000948040.9), dbSNP rs779504604, ClinGen allele CA397459331.

ClinVar aggregate classification (germline): Uncertain significance (1 of 4 stars; one submission).

Conditions:
Melanoma, cutaneous malignant, susceptibility to, 5. Also called: Cutaneous malignant melanoma 5. Identifiers: Orphanet 618, MedGen C2751295, MONDO:0013133, OMIM 613099.

Allele frequency attached by ClinVar (database versions not stated): TOPMed 0.00002.
gnomAD v4.1: 7 of 1,613,076 alleles (0.00043%); highest among the groups gnomAD compares: Admixed American, 0.0033%; no homozygotes.

Submission:

Labcorp Genetics (formerly Invitae), Labcorp
Classification: Uncertain significance for Melanoma, cutaneous malignant, susceptibility to, 5. Last evaluated: 2019-06-16. Review status: criteria provided, single submitter. Criteria: Invitae Variant Classification Sherloc (09022015). Collection method: clinical testing. Allele origin: germline.
Comment: In summary, the available evidence is currently insufficient to determine the role of this variant in disease. Therefore, it has been classified as a Variant of Uncertain Significance. Algorithms developed to predict the effect of missense changes on protein structure and function are either unavailable or do not agree on the potential impact of this missense change (SIFT: "Deleterious"; PolyPhen-2: "Benign"; Align-GVGD: "Class C0"). This variant has been observed in an individual affected with melanoma (PMID: 26800492). This variant is not present in population databases (ExAC no frequency). This sequence change replaces cysteine with phenylalanine at codon 35 of the MC1R protein (p.Cys35Phe). The cysteine residue is highly conserved and there is a large physicochemical difference between cysteine and phenylalanine.

Literature cited by the submitters: PubMed 26800492.